The following is an entry in ClinVar:

NM_004813.4(PEX16):c.172G>A (p.Val58Met)

Gene: PEX16 (peroxisomal biogenesis factor 16; minus strand). Cytogenetic location: 11p11.2.
Variant type: single nucleotide variant.
Coding change: c.172G>A on transcript NM_004813.4 (MANE Select); coding-DNA position 172, G replaced by A.
Protein change: p.Val58Met; replaces valine 58 with methionine.
Molecular consequence: missense variant.
Genome position (GRCh38, 1-based): chr11:45,916,280, C>T on the plus strand (G>A on the coding strand, the complement: PEX16 is on the minus strand). VCF-style: chr11-45916280-C-T. GRCh37 (hg19) VCF-style: chr11-45937831-C-T.
Other names: c.172G>A, p.Val58Met (NM_057174.3); short protein forms V58M.
Identifiers: ClinVar variation 998780 (VCV000998780.6), dbSNP rs1287709761, ClinGen allele CA380229195.

ClinVar aggregate classification (germline): Uncertain significance (1 of 4 stars; one submission).

Conditions:
Peroxisome biogenesis disorder. Identifiers: Orphanet 79189, MedGen C1832200, MONDO:0019234. Disease mechanism: loss of function.

Submission:

Labcorp Genetics (formerly Invitae), Labcorp
Classification: Uncertain significance for Peroxisome biogenesis disorder. Last evaluated: 2021-08-30. Review status: criteria provided, single submitter. Criteria: Invitae Variant Classification Sherloc (09022015). Collection method: clinical testing. Allele origin: germline.
Comment: This sequence change replaces valine with methionine at codon 58 of the PEX16 protein (p.Val58Met). The valine residue is highly conserved and there is a small physicochemical difference between valine and methionine. This variant is not present in population databases (ExAC no frequency). This variant has not been reported in the literature in individuals affected with PEX16-related conditions. Algorithms developed to predict the effect of missense changes on protein structure and function are either unavailable or do not agree on the potential impact of this missense change (SIFT: "Deleterious"; PolyPhen-2: "Probably Damaging"; Align-GVGD: "Class C0"). In summary, the available evidence is currently insufficient to determine the role of this variant in disease. Therefore, it has been classified as a Variant of Uncertain Significance.